The following is an entry in ClinVar:

NM_000435.3(NOTCH3):c.911A>G (p.Asn304Ser)

Gene: NOTCH3 (notch receptor 3; minus strand). Cytogenetic location: 19p13.12.
Variant type: single nucleotide variant.
Coding change: c.911A>G on transcript NM_000435.3 (MANE Select); coding-DNA position 911, A replaced by G.
Protein change: p.Asn304Ser; replaces asparagine 304 with serine.
Molecular consequence: missense variant.
Genome position (GRCh38, 1-based): chr19:15,191,549, T>C on the plus strand (A>G on the coding strand, the complement: NOTCH3 is on the minus strand). VCF-style: chr19-15191549-T-C. GRCh37 (hg19) VCF-style: chr19-15302360-T-C.
Other names: short protein forms N304S.
Identifiers: ClinVar variation 1704677 (VCV001704677.2), dbSNP rs2512664502, ClinGen allele CA404531286.
Genomic context (GRCh38, chr19:15,191,549, plus strand): 5'-AAGCACACGGCTGTGGCACAGTCATCGATATTCTGACTGCAGCTCTCGCCTGTCCAGCCA[T>C]TGACACACACGCAGCTGTGGCCACCCAGCGTGTTGAAGCAGGTACCCCCATTGTGGCAGG-3'
Protein context (NP_000426.2, residues 294-314): TLGGHSCVCV[Asn304Ser]GWTGESCSQN

ClinVar aggregate classification (germline): Uncertain significance (1 of 4 stars; one submission).

Allele frequency attached by ClinVar (database versions not stated): gnomAD exomes below 0.00001.
gnomAD v4.1: 1 of 1,613,582 alleles (0.000062%); highest among the groups gnomAD compares: Non-Finnish European, 0.000085%; no homozygotes.

Submission:

GeneDx
Classification: Uncertain significance. Last evaluated: 2022-03-11. Review status: criteria provided, single submitter. Criteria: GeneDx Variant Classification Process June 2021. Collection method: clinical testing. Allele origin: germline. Affected: yes.
Comment: Has not been previously published as pathogenic or benign to our knowledge; Not observed at significant frequency in large population cohorts (gnomAD); In silico analysis supports that this missense variant has a deleterious effect on protein structure/function